The following is an entry in ClinVar:

ClinVar aggregate classification (germline): Uncertain significance. Review status: criteria provided, multiple submitters, no conflicts (2 of 4 stars). 2 submissions from 2 submitters: Uncertain significance (2). Last evaluated 2025-05-19.

Allele frequency attached by ClinVar (database versions not stated): gnomAD 0.00002; gnomAD exomes 0.00004; TOPMed 0.00004; ExAC 0.00007.
gnomAD v4.1: 95 of 1,612,582 alleles (0.0059%); highest among the groups gnomAD compares: Non-Finnish European, 0.0075%; no homozygotes.

Submissions (2):

Labcorp Genetics (formerly Invitae), Labcorp
Classification: Uncertain significance. Last evaluated: 2025-05-19. Review status: criteria provided, single submitter. Criteria: Invitae Variant Classification Sherloc (09022015). Collection method: clinical testing. Allele origin: germline.
Comment: This sequence change replaces arginine, which is basic and polar, with histidine, which is basic and polar, at codon 384 of the SAG protein (p.Arg384His). This variant is present in population databases (rs772372884, gnomAD 0.009%). This missense change has been observed in individual(s) with retinitis pigmentosa (internal data). ClinVar contains an entry for this variant (Variation ID: 933962). An algorithm developed to predict the effect of missense changes on protein structure and function (PolyPhen-2) suggests that this variant is likely to be disruptive. In summary, the available evidence is currently insufficient to determine the role of this variant in disease. Therefore, it has been classified as a Variant of Uncertain Significance.

Blueprint Genetics
Classification: Uncertain significance. Last evaluated: 2023-10-25. Review status: criteria provided, single submitter. Criteria: ACMG Guidelines, 2015. Collection method: clinical testing. Allele origin: germline.

NM_000541.5(SAG):c.1151G>A (p.Arg384His)

Gene: SAG (S-antigen visual arrestin; plus strand). Cytogenetic location: 2q37.1.
Variant type: single nucleotide variant.
Coding change: c.1151G>A on transcript NM_000541.5 (MANE Select); coding-DNA position 1151, G replaced by A.
Protein change: p.Arg384His; replaces arginine 384 with histidine.
Molecular consequence: missense variant.
Genome position (GRCh38, 1-based): chr2:233,346,845, G>A. VCF-style: chr2-233346845-G-A. GRCh37 (hg19) VCF-style: chr2-234255491-G-A.
Other names: short protein forms R384H.
Identifiers: ClinVar variation 933962 (VCV000933962.8), dbSNP rs772372884, ClinGen allele CA2174714.
Genomic context (GRCh38, chr2:233,346,845, plus strand): 5'-AATGTTGTTTGTTTTATTTTAGTTATCAGGATGCAAATTTAGTTTTTGAGGAGTTTGCTC[G>A]CCATAATCTGAAAGATGCAGGAGAAGCTGAGGAGGGGAAGAGAGACAAGAATGACGTTGA-3'
Protein context (NP_000532.2, residues 374-394): DANLVFEEFA[Arg384His]HNLKDAGEAE